The following is an entry in ClinVar:

ClinVar aggregate classification (germline): Uncertain significance. Review status: criteria provided, multiple submitters, no conflicts (2 of 4 stars). 2 submissions from 2 submitters: Uncertain significance (2). Last evaluated 2025-10-28.

Conditions:
Hereditary pancreatitis (PCTT). Also called: Hereditary chronic pancreatitis; PRSS1-Related Hereditary Pancreatitis. Identifiers: Orphanet 676, MedGen C0238339, MONDO:0008185, OMIM 167800.

Submissions (2):

Ambry Genetics
Classification: Uncertain significance for Hereditary pancreatitis. Last evaluated: 2025-10-28. Review status: criteria provided, single submitter. Criteria: Ambry Variant Classification Scheme 2023. Collection method: clinical testing. Allele origin: germline.
Comment: The p.Y99* variant (also known as c.297C>A), located in coding exon 3 of the PRSS1 gene, results from a C to A substitution at nucleotide position 297. This changes the amino acid from a tyrosine to a stop codon within coding exon 3. This alteration is expected to result in loss of function by premature protein truncation or nonsense-mediated mRNA decay. However, loss of function has not been established as a mechanism of disease. Based on the available evidence, the clinical significance of this alteration remains unclear.

Labcorp Genetics (formerly Invitae), Labcorp
Classification: Uncertain significance for Hereditary pancreatitis. Last evaluated: 2021-02-03. Review status: criteria provided, single submitter. Criteria: Invitae Variant Classification Sherloc (09022015). Collection method: clinical testing. Allele origin: germline.
Comment: This sequence change creates a premature translational stop signal (p.Tyr99*) in the PRSS1 gene. It is expected to result in an absent or disrupted protein product. However, the current clinical and genetic evidence is not sufficient to establish whether loss-of-function variants in PRSS1 cause disease. In summary, the available evidence is currently insufficient to determine the role of this variant in disease. Therefore, it has been classified as a Variant of Uncertain Significance. This variant has not been reported in the literature in individuals with PRSS1-related conditions. This variant is not present in population databases (ExAC no frequency).

NM_002769.5(PRSS1):c.297C>A (p.Tyr99Ter)

Genes: TRB (T cell receptor beta locus; plus strand), PRSS1 (serine protease 1; plus strand). Cytogenetic location: 7q34.
Variant type: single nucleotide variant.
Coding change: c.297C>A on transcript NM_002769.5 (MANE Select); coding-DNA position 297, C replaced by A.
Protein change: p.Tyr99Ter; replaces tyrosine 99 with a stop codon.
Molecular consequence: nonsense.
Genome position (GRCh38, 1-based): chr7:142,751,870, C>A. VCF-style: chr7-142751870-C-A. GRCh37 (hg19) VCF-style: chr7-142459721-C-A.
Other names: c.297C>A (NM_002769.4); short protein forms Y99*.
Identifiers: ClinVar variation 1419861 (VCV001419861.7), dbSNP rs373659879, ClinGen allele CA369608706.